The following is an entry in ClinVar:

NM_019892.6(INPP5E):c.1501G>T (p.Val501Leu)

Gene: INPP5E (inositol polyphosphate-5-phosphatase E; minus strand). Cytogenetic location: 9q34.3.
Variant type: single nucleotide variant.
Coding change: c.1501G>T on transcript NM_019892.6 (MANE Select); coding-DNA position 1501, G replaced by T.
Protein change: p.Val501Leu; replaces valine 501 with leucine.
Molecular consequence: missense variant.
Genome position (GRCh38, 1-based): chr9:136,431,872, C>A on the plus strand (G>T on the coding strand, the complement: INPP5E is on the minus strand). VCF-style: chr9-136431872-C-A. GRCh37 (hg19) VCF-style: chr9-139326324-C-A.
Other names: c.1498G>T, p.Val500Leu (NM_001318502.2); c.1501G>T (NM_019892.5); short protein forms V500L, V501L.
Identifiers: ClinVar variation 2030919 (VCV002030919.5), dbSNP rs370876407, ClinGen allele CA201638982.

ClinVar aggregate classification (germline): Uncertain significance. Review status: criteria provided, single submitter (1 of 4 stars). 2 submissions from 2 submitters: Uncertain significance (1). 1 of the submissions does not count toward it. Last evaluated 2023-06-10.

Conditions:
INPP5E-related disorder. Also called: INPP5E-related condition.
Joubert syndrome. Also called: CEREBELLOPARENCHYMAL DISORDER IV; JOUBERT-BOLTSHAUSER SYNDROME; Familial aplasia of the vermis. Identifiers: Orphanet 475, MedGen C5979921, MONDO:0018772.

Submissions (2):

Labcorp Genetics (formerly Invitae), Labcorp
Classification: Uncertain significance for Joubert syndrome. Last evaluated: 2023-06-10. Review status: criteria provided, single submitter. Criteria: Invitae Variant Classification Sherloc (09022015). Collection method: clinical testing. Allele origin: germline.
Comment: In summary, the available evidence is currently insufficient to determine the role of this variant in disease. Therefore, it has been classified as a Variant of Uncertain Significance. Advanced modeling of protein sequence and biophysical properties (such as structural, functional, and spatial information, amino acid conservation, physicochemical variation, residue mobility, and thermodynamic stability) has been performed at Invitae for this missense variant, however the output from this modeling did not meet the statistical confidence thresholds required to predict the impact of this variant on INPP5E protein function. ClinVar contains an entry for this variant (Variation ID: 2030919). This variant has not been reported in the literature in individuals affected with INPP5E-related conditions. This variant is not present in population databases (gnomAD no frequency). This sequence change replaces valine, which is neutral and non-polar, with leucine, which is neutral and non-polar, at codon 501 of the INPP5E protein (p.Val501Leu).

PreventionGenetics, part of Exact Sciences
Classification: Uncertain significance for INPP5E-related condition. Last evaluated: 2024-02-01. Review status: no assertion criteria provided. Collection method: clinical testing. Allele origin: germline. Not counted in ClinVar's aggregate classification.
Comment: The INPP5E c.1501G>T variant is predicted to result in the amino acid substitution p.Val501Leu. To our knowledge, this variant has not been reported in the literature or in a large population database, indicating this variant is rare. At this time, the clinical significance of this variant is uncertain due to the absence of conclusive functional and genetic evidence.